The following is an entry in ClinVar:

NM_001378969.1(KCND3):c.1697G>A (p.Arg566His)

Gene: KCND3 (potassium voltage-gated channel subfamily D member 3; minus strand). Cytogenetic location: 1p13.2.
Variant type: single nucleotide variant.
Coding change: c.1697G>A on transcript NM_001378969.1 (MANE Select); coding-DNA position 1697, G replaced by A.
Protein change: p.Arg566His; replaces arginine 566 with histidine.
Molecular consequence: missense variant.
Genome position (GRCh38, 1-based): chr1:111,777,095, C>T on the plus strand (G>A on the coding strand, the complement: KCND3 is on the minus strand). VCF-style: chr1-111777095-C-T. GRCh37 (hg19) VCF-style: chr1-112319717-C-T.
Other names: c.1640G>A, p.Arg547His (NM_001378970.1, NM_172198.3); c.1697G>A, p.Arg566His (NM_004980.5); short protein forms R547H, R566H.
Identifiers: ClinVar variation 804954 (VCV000804954.6), dbSNP rs761867267, ClinGen allele CA1007371.

ClinVar aggregate classification (germline): Uncertain significance. Review status: criteria provided, multiple submitters, no conflicts (2 of 4 stars). 3 submissions from 3 submitters: Uncertain significance (3). Last evaluated 2024-10-25.

Conditions:
Cardiovascular phenotype. Identifiers: MedGen CN230736.
Spinocerebellar ataxia type 19/22 (SCA19). Also called: SPINOCEREBELLAR ATAXIA 22; SPINOCEREBELLAR ATAXIA 19. Identifiers: Orphanet 98772, MedGen C1846367, MONDO:0011819, OMIM 607346.

Allele frequency attached by ClinVar (database versions not stated): gnomAD exomes below 0.00001 and 0.00001; TOPMed below 0.00001; ExAC 0.00001; gnomAD 0.00001.
gnomAD v4.1: 7 of 1,613,890 alleles (0.00043%); highest among the groups gnomAD compares: East Asian, 0.0022%; no homozygotes.

Submissions (3):

Ambry Genetics
Classification: Uncertain significance for Cardiovascular phenotype. Last evaluated: 2024-10-25. Review status: criteria provided, single submitter. Criteria: Ambry Variant Classification Scheme 2023. Collection method: clinical testing. Allele origin: germline.
Comment: The p.R566H variant (also known as c.1697G>A), located in coding exon 6 of the KCND3 gene, results from a G to A substitution at nucleotide position 1697. The arginine at codon 566 is replaced by histidine, an amino acid with highly similar properties. This amino acid position is conserved. In addition, this alteration is predicted to be tolerated by in silico analysis. Based on the available evidence, the clinical significance of this variant remains unclear.

Labcorp Genetics (formerly Invitae), Labcorp
Classification: Uncertain significance for Spinocerebellar ataxia type 19/22. Last evaluated: 2023-08-08. Review status: criteria provided, single submitter. Criteria: Invitae Variant Classification Sherloc (09022015). Collection method: clinical testing. Allele origin: germline.
Comment: This sequence change replaces arginine, which is basic and polar, with histidine, which is basic and polar, at codon 566 of the KCND3 protein (p.Arg566His). This variant is present in population databases (rs761867267, gnomAD 0.007%). This variant has not been reported in the literature in individuals affected with KCND3-related conditions. ClinVar contains an entry for this variant (Variation ID: 804954). An algorithm developed to predict the effect of missense changes on protein structure and function (PolyPhen-2) suggests that this variant is likely to be disruptive. In summary, the available evidence is currently insufficient to determine the role of this variant in disease. Therefore, it has been classified as a Variant of Uncertain Significance.

Athena Diagnostics
Classification: Uncertain significance. Last evaluated: 2019-05-20. Review status: criteria provided, single submitter. Criteria: Athena Diagnostics Criteria. Collection method: clinical testing. Allele origin: germline.